The following is an entry in ClinVar:

NM_022455.5(NSD1):c.1646A>C (p.Asn549Thr)

Gene: NSD1 (nuclear receptor binding SET domain protein 1; plus strand). Cytogenetic location: 5q35.3.
Variant type: single nucleotide variant.
Coding change: c.1646A>C on transcript NM_022455.5 (MANE Select); coding-DNA position 1646, A replaced by C.
Protein change: p.Asn549Thr; replaces asparagine 549 with threonine.
Molecular consequence: missense variant.
Genome position (GRCh38, 1-based): chr5:177,210,045, A>C. VCF-style: chr5-177210045-A-C. GRCh37 (hg19) VCF-style: chr5-176637046-A-C.
Other names: c.773A>C, p.Asn258Thr (NM_001365684.2, NM_001409306.1, NM_001409307.1 and 3 more transcripts); c.1646A>C, p.Asn549Thr (NM_001409301.1, NM_001409302.1, NM_001409303.1); c.1226A>C, p.Asn409Thr (NM_001409304.1); c.893A>C, p.Asn298Thr (NM_001409305.1); short protein forms N280T, N549T, N409T, N258T, N298T.
Identifiers: ClinVar variation 1304978 (VCV001304978.8), dbSNP rs756449994, ClinGen allele CA3577126.
Genomic context (GRCh38, chr5:177,210,045, plus strand): 5'-TTCCAGAGAACCTTGGCCTAAACTTTATCTCTGGGGATATATCTGATACGCAGGCCTCTA[A>C]TGAACTTTCCAGGATAGCAAATAGCCTCACAGGGTCCAACACTGCCCCAGGAAGTTTTCT-3'
Protein context (NP_071900.2, residues 539-559): SGDISDTQAS[Asn549Thr]ELSRIANSLT

ClinVar aggregate classification (germline): Uncertain significance. Review status: criteria provided, multiple submitters, no conflicts (2 of 4 stars). 3 submissions from 3 submitters: Uncertain significance (3). Last evaluated 2021-11-01.

Conditions:
Inborn genetic diseases. Identifiers: MedGen C0950123, MeSH D030342.

Allele frequency attached by ClinVar (database versions not stated): gnomAD exomes below 0.00001; ExAC 0.00001; gnomAD 0.00001; TOPMed 0.00002.
gnomAD v4.1: 8 of 1,614,000 alleles (0.0005%); highest among the groups gnomAD compares: Admixed American, 0.0017%; no homozygotes.

Submissions (3):

Labcorp Genetics (formerly Invitae), Labcorp
Classification: Uncertain significance. Last evaluated: 2021-11-01. Review status: criteria provided, single submitter. Criteria: Invitae Variant Classification Sherloc (09022015). Collection method: clinical testing. Allele origin: germline.
Comment: This variant is present in population databases (rs756449994, gnomAD 0.003%). This sequence change replaces asparagine, which is neutral and polar, with threonine, which is neutral and polar, at codon 549 of the NSD1 protein (p.Asn549Thr). This variant has not been reported in the literature in individuals affected with NSD1-related conditions. In summary, the available evidence is currently insufficient to determine the role of this variant in disease. Therefore, it has been classified as a Variant of Uncertain Significance. Advanced modeling of protein sequence and biophysical properties (such as structural, functional, and spatial information, amino acid conservation, physicochemical variation, residue mobility, and thermodynamic stability) performed at Invitae indicates that this missense variant is not expected to disrupt NSD1 protein function.

Ambry Genetics
Classification: Uncertain significance for Inborn genetic diseases. Last evaluated: 2021-07-14. Review status: criteria provided, single submitter. Criteria: Ambry Variant Classification Scheme 2023. Collection method: clinical testing. Allele origin: germline.

GeneDx
Classification: Uncertain significance. Last evaluated: 2019-04-03. Review status: criteria provided, single submitter. Criteria: GeneDx Variant Classification Process June 2021. Collection method: clinical testing. Allele origin: germline. Affected: yes.
Comment: In silico analysis, which includes protein predictors and evolutionary conservation, supports that this variant does not alter protein structure/function; Has not been previously published as pathogenic or benign to our knowledge